The following is an entry in ClinVar:

NM_182961.4(SYNE1):c.19471-328A>G

Gene: SYNE1 (spectrin repeat containing nuclear envelope protein 1; minus strand). Cytogenetic location: 6q25.2.
Variant type: single nucleotide variant.
Coding change: c.19471-328A>G on transcript NM_182961.4 (MANE Select); 328 bases into the intron before coding-DNA position 19471, A replaced by G.
Molecular consequence: intron variant.
Genome position (GRCh38, 1-based): chr6:152,249,590, T>C on the plus strand (A>G on the coding strand, the complement: SYNE1 is on the minus strand). VCF-style: chr6-152249590-T-C. GRCh37 (hg19) VCF-style: chr6-152570725-T-C.
Other names: c.19258-328A>G (NM_033071.5).
Identifiers: ClinVar variation 673708 (VCV000673708.1), dbSNP rs75590728, ClinGen allele CA150200088.
Genomic context (GRCh38, chr6:152,249,590, plus strand): 5'-CTAATCTCATTACATCCGAAATAAATGAGCACAGTCAAACATTGCACAGAAATATTATAT[T>C]AGTGGCTCTTATCTAGGGAAATAACCTATAGGTGTTATCCTGATTTGGGAAATAATATGA-3'

ClinVar aggregate classification (germline): Benign (1 of 4 stars; one submission).

Allele frequency attached by ClinVar (database versions not stated): gnomAD 0.02028 and 0.02197; 1000 Genomes Project 0.02117; TOPMed 0.02193; 1000 Genomes Project 30x 0.02249.
gnomAD v4.1: 3,054 of 152,318 alleles (2%); highest among the groups gnomAD compares: African/African-American, 7%; 101 homozygotes.

Submission:

GeneDx
Classification: Benign. Last evaluated: 2018-06-16. Review status: criteria provided, single submitter. Criteria: GeneDx Variant Classification (06012015). Collection method: clinical testing. Allele origin: germline. Affected: yes.
Comment: This variant is considered likely benign or benign based on one or more of the following criteria: it is a conservative change, it occurs at a poorly conserved position in the protein, it is predicted to be benign by multiple in silico algorithms, and/or has population frequency not consistent with disease.